The following continues an entry in ClinVar:

NM_016038.4(SBDS):c.258+2T>C

Gene: SBDS. ClinVar aggregate classification (germline): Pathogenic/Likely pathogenic. Pathogenic (60); Likely pathogenic (3).

Submissions 80 to 95 of 95:

Dr. Peter K. Rogan Lab, Western University
No classification provided (evidence only). Condition: Cervical cancer. Review status: no classification provided. Collection method: in vitro. Allele origin: not applicable. Functional consequence: skipped exon, retained intron. Not counted in ClinVar's aggregate classification.

Dr. Peter K. Rogan Lab, Western University
No classification provided (evidence only). Condition: Hepatocellular carcinoma. Review status: no classification provided. Collection method: in vitro. Allele origin: not applicable. Functional consequence: skipped exon. Not counted in ClinVar's aggregate classification.

Dr. Peter K. Rogan Lab, Western University
No classification provided (evidence only). Condition: Hepatocellular carcinoma. Review status: no classification provided. Collection method: in vitro. Allele origin: not applicable. Functional consequence: skipped exon. Not counted in ClinVar's aggregate classification.

Dr. Peter K. Rogan Lab, Western University
No classification provided (evidence only). Condition: Ovarian serous cystadenocarcinoma. Review status: no classification provided. Collection method: in vitro. Allele origin: not applicable. Functional consequence: skipped exon. Not counted in ClinVar's aggregate classification.

Dr. Peter K. Rogan Lab, Western University
No classification provided (evidence only). Condition: Malignant tumor of esophagus. Review status: no classification provided. Collection method: in vitro. Allele origin: not applicable. Functional consequence: skipped exon, retained intron. Not counted in ClinVar's aggregate classification.

Dr. Peter K. Rogan Lab, Western University
No classification provided (evidence only). Condition: Nonpapillary renal cell carcinoma. Review status: no classification provided. Collection method: in vitro. Allele origin: not applicable. Functional consequence: skipped exon, retained intron. Not counted in ClinVar's aggregate classification.

Dr. Peter K. Rogan Lab, Western University
No classification provided (evidence only). Condition: Familial pancreatic carcinoma. Review status: no classification provided. Collection method: in vitro. Allele origin: not applicable. Functional consequence: skipped exon. Not counted in ClinVar's aggregate classification.

Dr. Peter K. Rogan Lab, Western University
No classification provided (evidence only). Condition: Familial pancreatic carcinoma. Review status: no classification provided. Collection method: in vitro. Allele origin: not applicable. Functional consequence: skipped exon, retained intron. Not counted in ClinVar's aggregate classification.

Dr. Peter K. Rogan Lab, Western University
No classification provided (evidence only). Condition: Hepatocellular carcinoma. Review status: no classification provided. Collection method: in vitro. Allele origin: not applicable. Functional consequence: skipped exon, retained intron. Not counted in ClinVar's aggregate classification.

Dr. Peter K. Rogan Lab, Western University
No classification provided (evidence only). Condition: Lymphoma. Review status: no classification provided. Collection method: in vitro. Allele origin: not applicable. Functional consequence: skipped exon, retained intron. Not counted in ClinVar's aggregate classification.

Dr. Peter K. Rogan Lab, Western University
No classification provided (evidence only). Condition: Ovarian cancer. Review status: no classification provided. Collection method: in vitro. Allele origin: not applicable. Functional consequence: retained intron. Not counted in ClinVar's aggregate classification.

GeneReviews
No classification provided. Condition: Shwachman-Diamond syndrome 1. Review status: no classification provided. Collection method: literature only. Allele origin: germline. Not counted in ClinVar's aggregate classification.

Genome Diagnostics Laboratory, Amsterdam University Medical Center
Classification: Pathogenic. Review status: no assertion criteria provided. Collection method: clinical testing. Allele origin: germline. Affected: yes. Study: VKGL Data-share Consensus. Not counted in ClinVar's aggregate classification.

Joint Genome Diagnostic Labs from Nijmegen and Maastricht, Radboudumc and MUMC+
Classification: Pathogenic. Review status: no assertion criteria provided. Collection method: clinical testing. Allele origin: germline. Affected: yes. Study: VKGL Data-share Consensus. Not counted in ClinVar's aggregate classification.

Laboratory of Diagnostic Genome Analysis, Leiden University Medical Center (LUMC)
Classification: Pathogenic. Review status: no assertion criteria provided. Collection method: clinical testing. Allele origin: germline. Affected: yes. Study: VKGL Data-share Consensus. Not counted in ClinVar's aggregate classification.

NIHR Bioresource Rare Diseases, University of Cambridge
Classification: Likely pathogenic for Shwachman-Diamond syndrome 1. Review status: no assertion criteria provided. Collection method: research. Allele origin: unknown. Affected: yes. Observed: 2 variant alleles. Not counted in ClinVar's aggregate classification.

Literature cited by the submitters: PubMed 21695142 (cited by 8 submitters); PubMed 12496757 (cited by 10 submitters); PubMed 27127007 (cited by Dasa); PubMed 20301722 (cited by 5 submitters); PubMed 15284109 (cited by Dasa and Illumina Laboratory Services, Illumina); PubMed 15942154 (cited by 3 submitters); PubMed 14749921 (cited by 5 submitters); PubMed 15769891 (cited by Mayo Clinic Laboratories, Mayo Clinic and OMIM); PubMed 24388329 (cited by 4 submitters); PubMed 32888943 (cited by Mayo Clinic Laboratories, Mayo Clinic); PubMed 35893049 (cited by Mayo Clinic Laboratories, Mayo Clinic); PubMed 36835434 (cited by 3 submitters); PubMed 37474001 (cited by Mayo Clinic Laboratories, Mayo Clinic); PubMed 40209608 (cited by Mayo Clinic Laboratories, Mayo Clinic); PubMed 35322185 (cited by Laboratorio de Biologia Molecular/Medicina Genomica - IFF/Fiocruz, Instituto Fernandes Figueira, Fundacao Oswaldo Cruz); PubMed 19222471 (cited by Rady Children's Institute for Genomic Medicine, Rady Children's Hospital San Diego); PubMed 15860664 (cited by 3 submitters); PubMed 22935661 (cited by 3 submitters); PubMed 27290639 (cited by Ambry Genetics); PubMed 27418648 (cited by Ambry Genetics); PubMed 32150944 (cited by Victorian Clinical Genetics Services, Murdoch Childrens Research Institute); PubMed 34758064 (cited by Women's Health and Genetics/Laboratory Corporation of America, LabCorp); PubMed 25729736 (cited by Illumina Laboratory Services, Illumina); PubMed 38311561 (cited by Department of Reproductive Genetics, International Peace Maternity and Child Health Hospital, Shanghai Jiao Tong University School of Medicine); PubMed 17376737 (cited by Department of Reproductive Genetics, International Peace Maternity and Child Health Hospital, Shanghai Jiao Tong University School of Medicine); PubMed 38240987 (cited by Department of Reproductive Genetics, International Peace Maternity and Child Health Hospital, Shanghai Jiao Tong University School of Medicine); PubMed 36512530 (cited by Department of Reproductive Genetics, International Peace Maternity and Child Health Hospital, Shanghai Jiao Tong University School of Medicine); PubMed 19148133 (cited by Department of Reproductive Genetics, International Peace Maternity and Child Health Hospital, Shanghai Jiao Tong University School of Medicine and Donald Williams Parsons Laboratory, Baylor College of Medicine); PubMed 36254235 (cited by Department of Reproductive Genetics, International Peace Maternity and Child Health Hospital, Shanghai Jiao Tong University School of Medicine); PubMed 26866830 (cited by Department of Reproductive Genetics, International Peace Maternity and Child Health Hospital, Shanghai Jiao Tong University School of Medicine); PubMed 24330988 (cited by Department of Reproductive Genetics, International Peace Maternity and Child Health Hospital, Shanghai Jiao Tong University School of Medicine); PubMed 22934832 (cited by Donald Williams Parsons Laboratory, Baylor College of Medicine); PubMed 24629175 (cited by Donald Williams Parsons Laboratory, Baylor College of Medicine); PubMed 25525159 (cited by Donald Williams Parsons Laboratory, Baylor College of Medicine); PubMed 26822237 (cited by Donald Williams Parsons Laboratory, Baylor College of Medicine); PubMed 17478638 (cited by OMIM); PubMed 32581362 (cited by NIHR Bioresource Rare Diseases, University of Cambridge).